The following is an entry in ClinVar:

ClinVar aggregate classification (germline): Uncertain significance. Review status: criteria provided, multiple submitters, no conflicts (2 of 4 stars). 2 submissions from 2 submitters: Uncertain significance (2). Last evaluated 2025-11-17.

Conditions:
NADSYN1-related disorder. Also called: NADSYN1-related condition.
Inborn genetic diseases. Identifiers: MedGen C0950123, MeSH D030342.

Allele frequency attached by ClinVar (database versions not stated): 1000 Genomes Project 30x 0.00016; 1000 Genomes Project 0.00020.
gnomAD v4.1: 50 of 1,613,790 alleles (0.0031%); highest among the groups gnomAD compares: Admixed American, 0.02%; no homozygotes.

Submissions (2):

PreventionGenetics, part of Exact Sciences
Classification: Uncertain significance for NADSYN1-related condition. Last evaluated: 2025-11-17. Review status: criteria provided, single submitter. Criteria: ACMG Guidelines, 2015. Collection method: clinical testing. Allele origin: germline.
Comment: The NADSYN1 c.1439C>T variant is predicted to result in the amino acid substitution p.Ala480Val. To our knowledge, this variant has not been reported in the literature. This variant is reported in 0.0058% of alleles in individuals of Latino descent in gnomAD. At this time, the clinical significance of this variant is uncertain due to the absence of conclusive functional and genetic evidence.

Ambry Genetics
Classification: Uncertain significance for Inborn genetic diseases. Last evaluated: 2021-10-06. Review status: criteria provided, single submitter. Criteria: Ambry Variant Classification Scheme 2023. Collection method: clinical testing. Allele origin: germline.

NM_018161.5(NADSYN1):c.1439C>T (p.Ala480Val)

Gene: NADSYN1 (NAD synthetase 1; plus strand). Cytogenetic location: 11q13.4.
Variant type: single nucleotide variant.
Coding change: c.1439C>T on transcript NM_018161.5 (MANE Select); coding-DNA position 1439, C replaced by T.
Protein change: p.Ala480Val; replaces alanine 480 with valine.
Molecular consequence: missense variant.
Genome position (GRCh38, 1-based): chr11:71,484,431, C>T. VCF-style: chr11-71484431-C-T. GRCh37 (hg19) VCF-style: chr11-71195477-C-T.
Other names: short protein forms A480V.
Identifiers: ClinVar variation 2282567 (VCV002282567.3), dbSNP rs150460226, ClinGen allele CA6163479.
Genomic context (GRCh38, chr11:71,484,431, plus strand): 5'-TGGTGACGGGGAAGAGCCCTCTGTTTGCAGCTCATGGAGGAAGCAGCAGGGAAAACCTGG[C>T]GCTGCAAAATGTGCAGGTGCCCCCGCCTGGGCCGGCGTCCCCTGGGGGTGGGGGTGCAGG-3'
Protein context (NP_060631.2, residues 470-490): AHGGSSRENL[Ala480Val]LQNVQARIRM